The following is an entry in ClinVar:

NM_004371.4(COPA):c.2624A>G (p.Glu875Gly)

Gene: COPA (coat protein complex I subunit alpha; minus strand). Cytogenetic location: 1q23.2.
Variant type: single nucleotide variant.
Coding change: c.2624A>G on transcript NM_004371.4 (MANE Select); coding-DNA position 2624, A replaced by G.
Protein change: p.Glu875Gly; replaces glutamic acid 875 with glycine.
Molecular consequence: missense variant.
Genome position (GRCh38, 1-based): chr1:160,294,536, T>C on the plus strand (A>G on the coding strand, the complement: COPA is on the minus strand). VCF-style: chr1-160294536-T-C. GRCh37 (hg19) VCF-style: chr1-160264326-T-C.
Other names: c.2651A>G, p.Glu884Gly (NM_001098398.2); short protein forms E884G, E875G.
Identifiers: ClinVar variation 4736934 (VCV004736934.1).
Genomic context (GRCh38, chr1:160,294,536, plus strand): 5'-CCACATACCAGCTCAGGAGGGAGCTCCAGATCTTCTTCTACATCCCAGCCACCTCCTTCT[T>C]CCTGTCCCTTGCCAAGAGCATCATCCCCCAAACCTTCTGTAGCCTCCACAAACCCATCTG-3'
Protein context (NP_004362.2, residues 865-885): LGDDALGKGQ[Glu875Gly]EGGGWDVEED

ClinVar aggregate classification (germline): Uncertain significance (1 of 4 stars; one submission).

Conditions:
Autoimmune interstitial lung disease-arthritis syndrome. Also called: Autoinflammation and autoimmunity, systemic, with immune dysregulation. Identifiers: Orphanet 444092, MedGen C5975714, MONDO:0014629.

Submission:

Labcorp Genetics (formerly Invitae), Labcorp
Classification: Uncertain significance for Autoimmune interstitial lung disease-arthritis syndrome. Last evaluated: 2025-10-06. Review status: criteria provided, single submitter. Criteria: Invitae Variant Classification Sherloc (09022015). Collection method: clinical testing. Allele origin: germline.
Comment: This sequence change replaces glutamic acid, which is acidic and polar, with glycine, which is neutral and non-polar, at codon 875 of the COPA protein (p.Glu875Gly). This variant is not present in population databases (gnomAD no frequency). This variant has not been reported in the literature in individuals affected with COPA-related conditions. Invitae Evidence Modeling of protein sequence and biophysical properties (such as structural, functional, and spatial information, amino acid conservation, physicochemical variation, residue mobility, and thermodynamic stability) indicates that this missense variant is not expected to disrupt COPA protein function with a negative predictive value of 80%. In summary, the available evidence is currently insufficient to determine the role of this variant in disease. Therefore, it has been classified as a Variant of Uncertain Significance.